The following is an entry in ClinVar:

ClinVar aggregate classification (germline): Uncertain significance. Review status: criteria provided, multiple submitters, no conflicts (2 of 4 stars). 2 submissions from 2 submitters: Uncertain significance (2). Last evaluated 2024-04-24.

Conditions:
Inborn genetic diseases. Identifiers: MedGen C0950123, MeSH D030342.

Allele frequency attached by ClinVar (database versions not stated): gnomAD exomes below 0.00001.
gnomAD v4.1: 2 of 1,614,074 alleles (0.00012%); highest among the groups gnomAD compares: East Asian, 0.0045%; no homozygotes.

Submissions (2):

Ambry Genetics
Classification: Uncertain significance for Inborn genetic diseases. Last evaluated: 2024-04-24. Review status: criteria provided, single submitter. Criteria: Ambry Variant Classification Scheme 2023. Collection method: clinical testing. Allele origin: germline.

Labcorp Genetics (formerly Invitae), Labcorp
Classification: Uncertain significance. Last evaluated: 2021-12-01. Review status: criteria provided, single submitter. Criteria: Invitae Variant Classification Sherloc (09022015). Collection method: clinical testing. Allele origin: germline.
Comment: This variant has not been reported in the literature in individuals affected with DYM-related conditions. This variant is present in population databases (no rsID available, gnomAD 0.006%). This sequence change replaces proline, which is neutral and non-polar, with arginine, which is basic and polar, at codon 571 of the DYM protein (p.Pro571Arg). In summary, the available evidence is currently insufficient to determine the role of this variant in disease. Therefore, it has been classified as a Variant of Uncertain Significance. Algorithms developed to predict the effect of missense changes on protein structure and function are either unavailable or do not agree on the potential impact of this missense change (SIFT: "Tolerated"; PolyPhen-2: "Probably Damaging"; Align-GVGD: "Class C0").

NM_001353214.3(DYM):c.1877C>G (p.Pro626Arg)

Gene: DYM (dymeclin; minus strand). Cytogenetic location: 18q21.1.
Variant type: single nucleotide variant.
Coding change: c.1877C>G on transcript NM_001353214.3 (MANE Select); coding-DNA position 1877, C replaced by G.
Protein change: p.Pro626Arg; replaces proline 626 with arginine.
Molecular consequence: missense variant. On other transcripts: intron variant (5).
Genome position (GRCh38, 1-based): chr18:49,118,778, G>C on the plus strand (C>G on the coding strand, the complement: DYM is on the minus strand). VCF-style: chr18-49118778-G-C. GRCh37 (hg19) VCF-style: chr18-46645148-G-C.
Other names: c.1709C>G, p.Pro570Arg (NM_001353210.3, NM_001353211.3, NM_001374435.1); c.1874C>G, p.Pro625Arg (NM_001353212.3, NM_001353213.3); c.1877C>G, p.Pro626Arg (NM_001374428.1, NM_001374430.1, NM_001374431.1); c.1871C>G, p.Pro624Arg (NM_001374429.1); c.1751C>G, p.Pro584Arg (NM_001374432.1); c.1712C>G, p.Pro571Arg (NM_001374433.1, NM_001374434.1, NM_017653.6); c.1586C>G, p.Pro529Arg (NM_001374436.1); c.1529C>G, p.Pro510Arg (NM_001374437.1); and 10 more; short protein forms P381R, P495R, P510R, P571R, P625R, P626R, P529R, P380R.
Identifiers: ClinVar variation 1924737 (VCV001924737.6), dbSNP rs1184458712, ClinGen allele CA402507040.
Genomic context (GRCh38, chr18:49,118,778, plus strand): 5'-TAATAAATGTCTTCATTTACACTCACCAGATCAATATTTTGCATTATATCCTGAAATGAA[G>C]GATGAGTTCGAAATTGTTCAAAGAGATCGCGTTTGTAAAGCAGGGCGTATACCAAGTTTG-3'
Protein context (NP_001340143.1, residues 616-636): RDLFEQFRTH[Pro626Arg]SFQDIMQNID